The following is an entry in ClinVar:

ClinVar aggregate classification (germline): Uncertain significance (1 of 4 stars; one submission).

Conditions:
Early-infantile DEE. Also called: Early infantile epileptic encephalopathy with suppression bursts; Ohtahara syndrome; Early infantile epileptic encephalopathy. Identifiers: Orphanet 1934, MedGen C0393706, MONDO:0800491.

Allele frequency attached by ClinVar (database versions not stated): TOPMed 0.00013.
gnomAD v4.1: 42 of 1,418,020 alleles (0.003%); highest among the groups gnomAD compares: African/African-American, 0.048%; no homozygotes.

Submission:

Labcorp Genetics (formerly Invitae), Labcorp
Classification: Uncertain significance for Early-infantile DEE. Last evaluated: 2025-03-31. Review status: criteria provided, single submitter. Criteria: Invitae Variant Classification Sherloc (09022015). Collection method: clinical testing. Allele origin: germline.
Comment: This sequence change replaces threonine, which is neutral and polar, with arginine, which is basic and polar, at codon 13 of the ARHGEF15 protein (p.Thr13Arg). This variant is present in population databases (rs373751727, gnomAD 0.05%). This variant has not been reported in the literature in individuals affected with ARHGEF15-related conditions. ClinVar contains an entry for this variant (Variation ID: 648853). An algorithm developed to predict the effect of missense changes on protein structure and function (PolyPhen-2) suggests that this variant is likely to be tolerated. In summary, the available evidence is currently insufficient to determine the role of this variant in disease. Therefore, it has been classified as a Variant of Uncertain Significance.

NM_173728.4(ARHGEF15):c.38C>G (p.Thr13Arg)

Gene: ARHGEF15 (Rho guanine nucleotide exchange factor 15; plus strand). Cytogenetic location: 17p13.1.
Variant type: single nucleotide variant.
Coding change: c.38C>G on transcript NM_173728.4 (MANE Select); coding-DNA position 38, C replaced by G.
Protein change: p.Thr13Arg; replaces threonine 13 with arginine.
Molecular consequence: missense variant.
Genome position (GRCh38, 1-based): chr17:8,312,077, C>G. VCF-style: chr17-8312077-C-G. GRCh37 (hg19) VCF-style: chr17-8215395-C-G.
Other names: c.38C>G, p.Thr13Arg (NM_025014.2); short protein forms T13R.
Identifiers: ClinVar variation 648853 (VCV000648853.11), dbSNP rs373751727, ClinGen allele CA8374766.